The following is an entry in ClinVar:

ClinVar aggregate classification (germline): Uncertain significance (1 of 4 stars; one submission).

Conditions:
Hereditary cancer-predisposing syndrome. Also called: Neoplastic Syndromes, Hereditary; Tumor predisposition; Hereditary Cancer Syndrome; Hereditary neoplastic syndrome. Identifiers: Orphanet 140162, MedGen C0027672, MeSH D009386, MONDO:0015356.

Submission:

Ambry Genetics
Classification: Uncertain significance for Hereditary cancer-predisposing syndrome. Last evaluated: 2025-11-20. Review status: criteria provided, single submitter. Criteria: Ambry Variant Classification Scheme 2023. Collection method: clinical testing. Allele origin: germline.
Comment: The p.S318R variant (also known as c.954T>G), located in coding exon 4 of the PALB2 gene, results from a T to G substitution at nucleotide position 954. The serine at codon 318 is replaced by arginine, an amino acid with dissimilar properties. This amino acid position is conserved. In addition, this alteration is predicted to be tolerated by in silico analysis. Based on the available evidence, the clinical significance of this variant remains unclear.

NM_024675.4(PALB2):c.954T>G (p.Ser318Arg)

Gene: PALB2 (partner and localizer of BRCA2; minus strand). Cytogenetic location: 16p12.2.
Variant type: single nucleotide variant.
Coding change: c.954T>G on transcript NM_024675.4 (MANE Select); coding-DNA position 954, T replaced by G.
Protein change: p.Ser318Arg; replaces serine 318 with arginine.
Molecular consequence: missense variant. On other transcripts: intron variant (3).
Genome position (GRCh38, 1-based): chr16:23,635,592, A>C on the plus strand (T>G on the coding strand, the complement: PALB2 is on the minus strand). VCF-style: chr16-23635592-A-C. GRCh37 (hg19) VCF-style: chr16-23646913-A-C.
Other names: c.894T>G, p.Ser298Arg (NM_001407296.1); c.954T>G, p.Ser318Arg (NM_001407297.1, NM_001407298.1, NM_001407299.1 and 3 more transcripts); c.69T>G, p.Ser23Arg (NM_001407304.1, NM_001407305.1, NM_001407306.1 and 5 more transcripts); c.48+5518T>G (NM_001407314.1); c.-104-5123T>G (NM_001407313.1, NM_001407312.1); short protein forms S23R, S298R, S318R.
Identifiers: ClinVar variation 4664120 (VCV004664120.1).